The following is an entry in ClinVar:

ClinVar aggregate classification (germline): Uncertain significance (1 of 4 stars; one submission).

Conditions:
ICE2-related disorder. Also called: ICE2-related condition.

Submission:

PreventionGenetics, part of Exact Sciences
Classification: Uncertain significance for ICE2-related condition. Last evaluated: 2026-07-06. Review status: criteria provided, single submitter. Criteria: ACMG Guidelines, 2015. Collection method: clinical testing. Allele origin: germline.
Comment: The ICE2 c.1084G>C variant is predicted to result in the amino acid substitution p.Asp362His. To our knowledge, this variant has not been reported in the literature or in a large population database (gnomAD), indicating this variant is rare. At this time, the clinical significance of this variant is uncertain due to the absence of conclusive functional and genetic evidence.

NM_024611.6(ICE2):c.1495G>C (p.Asp499His)

Gene: ICE2 (interactor of little elongation complex ELL subunit 2; minus strand). Cytogenetic location: 15q22.2.
Variant type: single nucleotide variant.
Coding change: c.1495G>C on transcript NM_024611.6 (MANE Select); coding-DNA position 1495, G replaced by C.
Protein change: p.Asp499His; replaces aspartic acid 499 with histidine.
Molecular consequence: missense variant. On other transcripts: non-coding transcript variant (1).
Genome position (GRCh38, 1-based): chr15:60,449,472, C>G on the plus strand (G>C on the coding strand, the complement: ICE2 is on the minus strand). VCF-style: chr15-60449472-C-G. GRCh37 (hg19) VCF-style: chr15-60741671-C-G.
Other names: c.1084G>C, p.Asp362His (NM_001018089.3); short protein forms D362H, D499H.
Identifiers: ClinVar variation 4986192 (VCV004986192.1).